The following is an entry in ClinVar:

NM_001939.3(DRP2):c.2350G>T (p.Glu784Ter)

Gene: DRP2 (dystrophin related protein 2; plus strand). Cytogenetic location: Xq22.1.
Variant type: single nucleotide variant.
Coding change: c.2350G>T on transcript NM_001939.3 (MANE Select); coding-DNA position 2350, G replaced by T.
Protein change: p.Glu784Ter; replaces glutamic acid 784 with a stop codon.
Molecular consequence: nonsense.
Genome position (GRCh38, 1-based): chrX:101,256,221, G>T. VCF-style: chrX-101256221-G-T. GRCh37 (hg19) VCF-style: chrX-100511210-G-T.
Other names: c.2116G>T, p.Glu706Ter (NM_001171184.2); short protein forms E706*, E784*.
Identifiers: ClinVar variation 1451551 (VCV001451551.6), dbSNP rs2147352443, ClinGen allele CA413909236.

ClinVar aggregate classification (germline): Pathogenic (1 of 4 stars; one submission).

Submission:

Labcorp Genetics (formerly Invitae), Labcorp
Classification: Pathogenic. Last evaluated: 2021-03-23. Review status: criteria provided, single submitter. Criteria: Invitae Variant Classification Sherloc (09022015). Collection method: clinical testing. Allele origin: germline.
Comment: For these reasons, this variant has been classified as Pathogenic. Algorithms developed to predict the effect of sequence changes on RNA splicing suggest that this variant may create or strengthen a splice site, but this prediction has not been confirmed by published transcriptional studies. This variant has not been reported in the literature in individuals with DRP2-related conditions. This variant is not present in population databases (ExAC no frequency). This sequence change creates a premature translational stop signal (p.Glu784*) in the DRP2 gene. It is expected to result in an absent or disrupted protein product. Loss-of-function variants in DRP2 are known to be pathogenic (PMID: 22764250, 26227883).

Literature cited by the submitters: PubMed 22764250; PubMed 26227883.